The following is an entry in ClinVar:

NM_000078.3(CETP):c.881del (p.Ala294fs)

Gene: CETP (cholesteryl ester transfer protein; plus strand). Cytogenetic location: 16q13.
Variant type: Deletion.
Coding change: c.881del on transcript NM_000078.3 (MANE Select); coding-DNA position 881, one base deleted (C; older notation c.881delC).
Protein change: p.Ala294fs; shifts the reading frame from alanine 294.
Molecular consequence: frameshift variant. On other transcripts: intron variant (1).
Genome position (GRCh38, 1-based): chr16:56,973,461, C deleted. VCF-style (leftmost placement, unchanged base first): chr16-56973460-GC-G. GRCh37 (hg19) VCF-style: chr16-57007372-GC-G.
Other names: c.750+1378del (NM_001286085.2); short protein forms A294fs.
Identifiers: ClinVar variation 4850047 (VCV004850047.1).

ClinVar aggregate classification (germline): Likely pathogenic (1 of 4 stars; one submission).

Conditions:
Hyperalphalipoproteinemia 1 (HALP1). Also called: CETP-Related Hyperalphalipoproteinemia; CETP DEFICIENCY. Identifiers: MedGen C3149462, OMIM 143470.

Submission:

Variantyx, Inc.
Classification: Likely pathogenic for Hyperalphalipoproteinemia 1. Last evaluated: 2025-11-14. Review status: criteria provided, single submitter. Criteria: Variantyx Assertion Criteria 2022. Collection method: clinical testing. Allele origin: germline. Inheritance: Autosomal dominant inheritance. Affected: no.
Comment: This is a frameshift variant in the CETP gene (OMIM: 118470). Pathogenic variants in this gene have been associated with autosomal dominant hyperalphalipoproteinemia. This variant introduces a premature termination codon in exon 9 out of 1 6and is expected to result in loss of function, which is a known disease mechanism for CETP in this disorder (PMID: 40339105) (PVS1). This variant is absent from control populations (PM2). Based on the current evidence, this variant is classified as likely pathogenic for autosomal dominant hyperalphalipoproteinemia.

Literature cited by the submitters: PubMed 40339105.